The following is an entry in ClinVar:

ClinVar aggregate classification (germline): Uncertain significance (1 of 4 stars; one submission).

Conditions:
Gastrointestinal stromal tumor. Also called: Gastrointestinal stromal tumor, somatic; Gastrointestinal stroma tumor. Identifiers: Orphanet 44890, MedGen C0238198, MeSH D046152, MONDO:0011719, OMIM 606764, HP:0100723.

Submission:

Labcorp Genetics (formerly Invitae), Labcorp
Classification: Uncertain significance for Gastrointestinal stromal tumor. Last evaluated: 2021-03-02. Review status: criteria provided, single submitter. Criteria: Invitae Variant Classification Sherloc (09022015). Collection method: clinical testing. Allele origin: germline.
Comment: In summary, the available evidence is currently insufficient to determine the role of this variant in disease. Therefore, it has been classified as a Variant of Uncertain Significance. Experimental studies and prediction algorithms are not available or were not evaluated, and the functional significance of this variant is currently unknown. This variant has been observed in individual(s) with piebaldism (Invitae). This variant is not present in population databases (ExAC no frequency). This variant, c.2393_2407del, results in the deletion of 6 amino acid(s) and insertion of 1 amino acid(s) of the KIT protein (p.Ile798_Gly803delinsSer), but otherwise preserves the integrity of the reading frame.

NM_000222.3(KIT):c.2393_2407del (p.Ile798_Gly803delinsSer)

Gene: KIT (KIT proto-oncogene, receptor tyrosine kinase; plus strand). Cytogenetic location: 4q12.
Variant type: Deletion.
Coding change: c.2393_2407del on transcript NM_000222.3 (MANE Select); coding-DNA positions 2393 to 2407, 15 bases deleted (TCCTCCTTACTCATG).
Protein change: p.Ile798_Gly803delinsSer.
Molecular consequence: inframe indel.
Genome position (GRCh38, 1-based): chr4:54,733,101-54,733,115, TCCTCCTTACTCATG deleted. VCF-style (leftmost placement, unchanged base first): chr4-54733100-ATCCTCCTTACTCATG-A. GRCh37 (hg19) VCF-style: chr4-55599266-ATCCTCCTTACTCATG-A.
Other names: c.2381_2395del, p.Ile794_Gly799delinsSer (NM_001093772.2, NM_001385292.1); c.2396_2410del, p.Ile799_Gly804delinsSer (NM_001385284.1); c.2390_2404del, p.Ile797_Gly802delinsSer (NM_001385285.1); c.2378_2392del, p.Ile793_Gly798delinsSer (NM_001385286.1); c.2384_2398del, p.Ile795_Gly800delinsSer (NM_001385288.1); c.2393_2407del, p.Ile798_Gly803delinsSer (NM_001385290.1).
Identifiers: ClinVar variation 1514134 (VCV001514134.6), dbSNP rs2109801246, ClinGen allele CA2573138291.